The following is an entry in ClinVar:

NC_000001.10:g.(?_196857181)_(196887764_?)dup

Gene: CFHR4 (complement factor H related 4; plus strand). Cytogenetic location: 1q31.3.
Variant type: Duplication.
Identifiers: ClinVar variation 3902566 (VCV003902566.1).

ClinVar aggregate classification (germline): Likely benign (1 of 4 stars; one submission).

Submission:

Women's Health and Genetics/Laboratory Corporation of America, LabCorp
Classification: Likely benign. Last evaluated: 2025-05-02. Review status: criteria provided, single submitter. Criteria: LabCorp Variant Classification Summary - May 2015. Collection method: clinical testing. Allele origin: germline.
Comment: Variant summary: The variant involves the duplication of exons 1-10 in the CFHR4 gene. A presumed nomenclature of c.(?_-100)_(*228_?)dup has been designated for the purposes of this classification. This duplication includes the entire coding sequence of the gene. As exact breakpoints are unknown, it may extend beyond the annotated region of the gene, to include other flanking genes. A large duplication that includes the whole CFHR4 gene (and extends further upstream including the CFHR1 gene, and part of the CFHR3 gene; size: ~150 kbp) was found at a frequency of 0.006 in 77186 control chromosomes in the gnomAD database (Structural Variants v4.1 dataset), including 1 homozygote. The observed variant frequency is approximately 40-fold of the estimated maximal expected allele frequency for a pathogenic variant in CFHR4 causing Genetic Atypical Hemolytic Uremic Syndrome (aHUS) phenotype (0.00016). In addition, overlapping duplications in this region are also reported with similarly high allele frequencies (and multiple homozygotes) in the gnomAD database (Structural Variants v4.1 dataset). These data strongly suggest that similar duplications are likely benign. Large duplications that include the whole CFHR4 gene have been reported in patients affected with C3 Glomerulopathy and aHUS (e.g. Piras_2021, Piras_2023), however one of these studies concluded that based on segregation in healthy relatives, the CFHR1-CFHR4 duplication alone is not sufficient to induce disease (Piras_2021). The following publications have been ascertained in the context of this evaluation (PMID: 34211499, 36793547). No submitters have cited clinical-significance assessments for this variant to ClinVar. In conclusion, large duplication variants involving the full coding sequence of the CFHR4 gene together with large flanking DNA segments are reported with high allele frequencies in control populations, and currently no evidence suggests causal role in reported patients. Based on the evidence outlined above, the variant was classified as likely benign.

Literature cited by the submitters: PubMed 34211499; PubMed 36793547.